The following is an entry in ClinVar:

NM_015241.3(MICAL3):c.5740C>T (p.Leu1914=)

Gene: MICAL3 (microtubule associated monooxygenase, calponin and LIM domain containing 3; minus strand). Cytogenetic location: 22q11.21.
Variant type: single nucleotide variant.
Coding change: c.5740C>T on transcript NM_015241.3 (MANE Select); coding-DNA position 5740, C replaced by T.
Protein change: p.Leu1914=; no amino-acid change (leucine 1914 retained).
Molecular consequence: synonymous variant.
Genome position (GRCh38, 1-based): chr22:17,791,212, G>A on the plus strand (C>T on the coding strand, the complement: MICAL3 is on the minus strand). VCF-style: chr22-17791212-G-A. GRCh37 (hg19) VCF-style: chr22-18273978-G-A.
Identifiers: ClinVar variation 2652842 (VCV002652842.24), dbSNP rs61743624, ClinGen allele CA10091147.

ClinVar aggregate classification (germline): Likely benign (1 of 4 stars; one submission).

Allele frequency attached by ClinVar (database versions not stated): 1000 Genomes Project 30x 0.00094; 1000 Genomes Project 0.00100; TOPMed 0.00112; gnomAD 0.00117; ExAC 0.00173; ESP Exome Variant Server 0.00186; gnomAD exomes 0.00194.
gnomAD v4.1: 2,971 of 1,613,784 alleles (0.18%); highest among the groups gnomAD compares: Non-Finnish European, 0.23%; 6 homozygotes.

Submission:

CeGaT Center for Human Genetics Tuebingen
Classification: Likely benign. Last evaluated: 2023-09-01. Review status: criteria provided, single submitter. Criteria: CeGaT Center For Human Genetics Tuebingen Variant Classification Criteria Version 2. Collection method: clinical testing. Allele origin: germline. Affected: yes. Observed: 1 variant allele.
Comment: MICAL3: BP4